The following is an entry in ClinVar:

NM_015910.7(WDPCP):c.287G>A (p.Arg96His)

Gene: WDPCP (WD repeat containing planar cell polarity effector; minus strand). Cytogenetic location: 2p15.
Variant type: single nucleotide variant.
Coding change: c.287G>A on transcript NM_015910.7 (MANE Select); coding-DNA position 287, G replaced by A.
Protein change: p.Arg96His; replaces arginine 96 with histidine.
Molecular consequence: missense variant. On other transcripts: non-coding transcript variant (2).
Genome position (GRCh38, 1-based): chr2:63,484,954, C>T on the plus strand (G>A on the coding strand, the complement: WDPCP is on the minus strand). VCF-style: chr2-63484954-C-T. GRCh37 (hg19) VCF-style: chr2-63712088-C-T.
Other names: c.215G>A, p.Arg72His (NM_001354044.2); c.287G>A, p.Arg96His (NM_001354045.2); short protein forms R96H, R72H.
Identifiers: ClinVar variation 2149330 (VCV002149330.4), dbSNP rs1700478802, ClinGen allele CA347065980.

ClinVar aggregate classification (germline): Uncertain significance (1 of 4 stars; one submission).

Conditions:
Bardet-Biedl syndrome (BBS). Identifiers: Orphanet 110, MedGen C0752166, MONDO:0015229.

Allele frequency attached by ClinVar (database versions not stated): gnomAD exomes below 0.00001; TOPMed below 0.00001.
gnomAD v4.1: 6 of 1,612,492 alleles (0.00037%); highest among the groups gnomAD compares: Admixed American, 0.0017%; no homozygotes.

Submission:

Labcorp Genetics (formerly Invitae), Labcorp
Classification: Uncertain significance for Bardet-Biedl syndrome. Last evaluated: 2022-08-06. Review status: criteria provided, single submitter. Criteria: Invitae Variant Classification Sherloc (09022015). Collection method: clinical testing. Allele origin: germline.
Comment: This sequence change replaces arginine, which is basic and polar, with histidine, which is basic and polar, at codon 96 of the WDPCP protein (p.Arg96His). This variant is not present in population databases (gnomAD no frequency). This variant has not been reported in the literature in individuals affected with WDPCP-related conditions. Algorithms developed to predict the effect of missense changes on protein structure and function are either unavailable or do not agree on the potential impact of this missense change (SIFT: "Deleterious"; PolyPhen-2: "Probably Damaging"; Align-GVGD: "Class C0"). In summary, the available evidence is currently insufficient to determine the role of this variant in disease. Therefore, it has been classified as a Variant of Uncertain Significance.